The following is an entry in ClinVar:

NM_002775.5(HTRA1):c.834C>T (p.Phe278=)

Gene: HTRA1 (HtrA serine peptidase 1; plus strand). Cytogenetic location: 10q26.13.
Variant type: single nucleotide variant.
Coding change: c.834C>T on transcript NM_002775.5 (MANE Select); coding-DNA position 834, C replaced by T.
Protein change: p.Phe278=; no amino-acid change (phenylalanine 278 retained).
Molecular consequence: synonymous variant.
Genome position (GRCh38, 1-based): chr10:122,506,747, C>T. VCF-style: chr10-122506747-C-T. GRCh37 (hg19) VCF-style: chr10-124266263-C-T.
Other names: p.Phe278=.
Identifiers: ClinVar variation 878848 (VCV000878848.13), dbSNP rs141130635, ClinGen allele CA5725942.
Genomic context (GRCh38, chr10:122,506,747, plus strand): 5'-TCAGGGCAAGCTGCCTGTCCTGCTGCTTGGCCGCTCCTCAGAGCTGCGGCCGGGAGAGTT[C>T]GTGGTCGCCATCGGAAGCCCGTTTTCCCTTCAAAACACAGTCACCACCGGGATCGTGAGC-3'
Protein context (NP_002766.1, residues 268-288): GRSSELRPGE[Phe278=]VVAIGSPFSL

ClinVar aggregate classification (germline): Benign/Likely benign. Review status: criteria provided, multiple submitters, no conflicts (2 of 4 stars). 4 submissions from 4 submitters: Benign (1); Likely benign (3). Last evaluated 2025-12-05.

Conditions:
Macular degeneration. Also called: Degenerative disorder of macula. Identifiers: MedGen C0024437, MONDO:0003004, HP:0000608.

Allele frequency attached by ClinVar (database versions not stated): ESP Exome Variant Server 0.00008; gnomAD 0.00012 and 0.00019; ExAC 0.00021; TOPMed 0.00022; gnomAD exomes 0.00026; 1000 Genomes Project 30x 0.00094; 1000 Genomes Project 0.00100.
gnomAD v4.1: 189 of 1,613,758 alleles (0.012%); highest among the groups gnomAD compares: East Asian, 0.26%; 2 homozygotes.

Submissions (4):

Mayo Clinic Laboratories, Mayo Clinic
Classification: Likely benign. Last evaluated: 2025-12-05. Review status: criteria provided, single submitter. Criteria: ACMG Guidelines, 2015. Collection method: clinical testing. Allele origin: germline. Observed: 1 variant allele.
Comment: BS1, BP4, BP7

Labcorp Genetics (formerly Invitae), Labcorp
Classification: Benign. Last evaluated: 2025-06-20. Review status: criteria provided, single submitter. Criteria: Invitae Variant Classification Sherloc (09022015). Collection method: clinical testing. Allele origin: germline.

Blueprint Genetics
Classification: Likely benign. Last evaluated: 2024-07-03. Review status: criteria provided, single submitter. Criteria: ACMG Guidelines, 2015. Collection method: clinical testing. Allele origin: germline.

Illumina Laboratory Services, Illumina
Classification: Likely benign for Macular degeneration. Last evaluated: 2018-01-13. Review status: criteria provided, single submitter. Criteria: ICSL Variant Classification Criteria 13 December 2019. Collection method: clinical testing. Allele origin: germline.
Comment: This variant was observed in the ICSL laboratory as part of a predisposition screen in an ostensibly healthy population. It had not been previously curated by ICSL or reported in the Human Gene Mutation Database (HGMD: prior to June 1st, 2018), and was therefore a candidate for classification through an automated scoring system. Utilizing variant allele frequency, disease prevalence and penetrance estimates, and inheritance mode, an automated score was calculated to assess if this variant is too frequent to cause the disease. Based on the score and internal cut-off values, a variant classified as likely benign is not then subjected to further curation. The score for this variant resulted in a classification of likely benign for this disease.